The following is an entry in ClinVar:

NM_015681.6(B9D1):c.472+85C>T

Gene: B9D1 (B9 domain containing 1; minus strand). Cytogenetic location: 17p11.2.
Variant type: single nucleotide variant.
Coding change: c.472+85C>T on transcript NM_015681.6 (MANE Select); 85 bases into the intron after coding-DNA position 472, C replaced by T.
Molecular consequence: intron variant. On other transcripts: 3 prime UTR variant (1).
Genome position (GRCh38, 1-based): chr17:19,343,705, G>A on the plus strand (C>T on the coding strand, the complement: B9D1 is on the minus strand). VCF-style: chr17-19343705-G-A. GRCh37 (hg19) VCF-style: chr17-19247018-G-A.
Other names: c.*5C>T (NM_001321215.3); c.112+85C>T (NM_001368769.2); c.404+3564C>T (NM_001321219.2); c.472+85C>T (NM_001321218.2, NM_001321217.2, NM_001321214.2 and 1 more transcripts).
Identifiers: ClinVar variation 4795680 (VCV004795680.2).

ClinVar aggregate classification (germline): Conflicting classifications of pathogenicity. Review status: criteria provided, conflicting classifications (1 of 4 stars). 2 submissions from 2 submitters: Uncertain significance (1); Likely benign (1). Last evaluated 2025-08-16.

gnomAD v4.1: 72 of 1,612,960 alleles (0.0045%); highest among the groups gnomAD compares: Middle Eastern, 0.016%; no homozygotes.

Submissions (2):

GeneDx
Classification: Uncertain significance. Last evaluated: 2025-08-16. Review status: criteria provided, single submitter. Criteria: GeneDx Variant Classification Process June 2021. Collection method: clinical testing. Allele origin: germline. Affected: yes.
Comment: Not observed at significant frequency in large population cohorts (gnomAD); In silico analysis suggests that this missense variant does not alter protein structure/function; Has not been previously published as pathogenic or benign to our knowledge; Reported using an alternate transcript of the gene

Blueprint Genetics
Classification: Likely benign. Last evaluated: 2024-09-11. Review status: criteria provided, single submitter. Criteria: ACMG Guidelines, 2015. Collection method: clinical testing. Allele origin: germline.